The following is an entry in ClinVar:

NM_015450.3(POT1):c.1801C>T (p.Pro601Ser)

Gene: POT1 (protection of telomeres 1; minus strand). Cytogenetic location: 7q31.33.
Variant type: single nucleotide variant.
Coding change: c.1801C>T on transcript NM_015450.3 (MANE Select); coding-DNA position 1801, C replaced by T.
Protein change: p.Pro601Ser; replaces proline 601 with serine.
Molecular consequence: missense variant. On other transcripts: non-coding transcript variant (3).
Genome position (GRCh38, 1-based): chr7:124,824,066, G>A on the plus strand (C>T on the coding strand, the complement: POT1 is on the minus strand). VCF-style: chr7-124824066-G-A. GRCh37 (hg19) VCF-style: chr7-124464120-G-A.
Other names: c.1408C>T, p.Pro470Ser (NM_001042594.2); short protein forms P470S, P601S.
Identifiers: ClinVar variation 820105 (VCV000820105.5), dbSNP rs1584745610, ClinGen allele CA369061325.
Genomic context (GRCh38, chr7:124,824,066, plus strand): 5'-AAATTTGATTATCTGTTCCATTTGTGACATTGTATGACTTGATGAAGCATTCCAACCACG[G>A]ATATGCATCTACAAAAACAAAAACAAAAAAAGCGATTTAACCATTAAAACAAAATAAATA-3'
Protein context (NP_056265.2, residues 591-611): CPPGIKIDAY[Pro601Ser]WLECFIKSYN

ClinVar aggregate classification (germline): Uncertain significance. Review status: criteria provided, multiple submitters, no conflicts (2 of 4 stars). 2 submissions from 2 submitters: Uncertain significance (2). Last evaluated 2024-10-24.

Conditions:
Tumor predisposition syndrome 3 (TPDS3). Also called: Glioma susceptibility 9; LONG TELOMERE SYNDROME, POT1-RELATED; POT1 Tumor Predisposition; Melanoma, cutaneous malignant, susceptibility to, 10. Identifiers: Orphanet 618, MedGen C4014476, MONDO:0014368, OMIM 615848.
Hereditary cancer-predisposing syndrome. Also called: Tumor predisposition; Hereditary Cancer Syndrome; Hereditary neoplastic syndrome; Neoplastic Syndromes, Hereditary. Identifiers: Orphanet 140162, MedGen C0027672, MeSH D009386, MONDO:0015356.

Submissions (2):

St. Jude Molecular Pathology, St. Jude Children's Research Hospital
Classification: Uncertain significance for Tumor predisposition syndrome 3. Last evaluated: 2024-10-24. Review status: criteria provided, single submitter. Criteria: St. Jude Assertion Criteria 2020. Collection method: clinical testing. Allele origin: germline.
Comment: The POT1 c.1801C>T (p.Pro601Ser) missense change is absent in gnomAD v2.1.1. The in silico tool REVEL predicts a deleterious effect on protein function, but to our knowledge this prediction has not been confirmed by functional studies. To our knowledge, this variant has not been reported in individuals with POT1 -associated conditions. In summary, the evidence currently available is insufficient to determine the clinical significance of this variant. It has therefore been classified as of uncertain significance.

Ambry Genetics
Classification: Uncertain significance for Hereditary cancer-predisposing syndrome. Last evaluated: 2019-07-18. Review status: criteria provided, single submitter. Criteria: Ambry Variant Classification Scheme 2023. Collection method: clinical testing. Allele origin: germline.
Comment: The p.P601S variant (also known as c.1801C>T), located in coding exon 15 of the POT1 gene, results from a C to T substitution at nucleotide position 1801. The proline at codon 601 is replaced by serine, an amino acid with similar properties. This amino acid position is highly conserved in available vertebrate species. In addition, the in silico prediction for this alteration is inconclusive. Since supporting evidence is limited at this time, the clinical significance of this alteration remains unclear.